The following is an entry in ClinVar:

ClinVar aggregate classification (germline): Uncertain significance (1 of 4 stars; one submission).

gnomAD v4.1: 1 of 1,435,694 alleles (0.00007%); highest among the groups gnomAD compares: African/African-American, 0.0015%; no homozygotes.

Submission:

Labcorp Genetics (formerly Invitae), Labcorp
Classification: Uncertain significance. Last evaluated: 2024-09-19. Review status: criteria provided, single submitter. Criteria: Invitae Variant Classification Sherloc (09022015). Collection method: clinical testing. Allele origin: germline.
Comment: This sequence change replaces proline, which is neutral and non-polar, with alanine, which is neutral and non-polar, at codon 20 of the P4HB protein (p.Pro20Ala). This variant is present in population databases (rs748716508, gnomAD 0.07%). This variant has not been reported in the literature in individuals affected with P4HB-related conditions. An algorithm developed to predict the effect of missense changes on protein structure and function (PolyPhen-2) suggests that this variant¬†is likely to be tolerated. In summary, the available evidence is currently insufficient to determine the role of this variant in disease. Therefore, it has been classified as a Variant of Uncertain Significance.

NM_000918.4(P4HB):c.58C>G (p.Pro20Ala)

Gene: P4HB (prolyl 4-hydroxylase subunit beta; minus strand). Cytogenetic location: 17q25.3.
Variant type: single nucleotide variant.
Coding change: c.58C>G on transcript NM_000918.4 (MANE Select); coding-DNA position 58, C replaced by G.
Protein change: p.Pro20Ala; replaces proline 20 with alanine.
Molecular consequence: missense variant.
Genome position (GRCh38, 1-based): chr17:81,860,414, G>C on the plus strand (C>G on the coding strand, the complement: P4HB is on the minus strand). VCF-style: chr17-81860414-G-C. GRCh37 (hg19) VCF-style: chr17-79818290-G-C.
Other names: short protein forms P20A.
Identifiers: ClinVar variation 3627801 (VCV003627801.1).